The following is an entry in ClinVar:

ClinVar aggregate classification (germline): Pathogenic/Likely pathogenic. Review status: criteria provided, multiple submitters, no conflicts (2 of 4 stars). 6 submissions from 6 submitters: Pathogenic (1); Likely pathogenic (5). Last evaluated 2025-12-13.

Conditions:
Noonan syndrome 2 (NS2). Identifiers: Orphanet 648, MedGen C1854469, MONDO:0011531, OMIM 605275.
Hereditary cancer-predisposing syndrome. Also called: Neoplastic Syndromes, Hereditary; Tumor predisposition; Hereditary neoplastic syndrome; Hereditary Cancer Syndrome. Identifiers: Orphanet 140162, MedGen C0027672, MeSH D009386, MONDO:0015356.
Cardiovascular phenotype. Identifiers: MedGen CN230736.

gnomAD v4.1: 1 of 1,613,886 alleles (0.000062%); highest among the groups gnomAD compares: African/African-American, 0.0013%; no homozygotes.

Submissions (6):

Labcorp Genetics (formerly Invitae), Labcorp
Classification: Likely pathogenic. Last evaluated: 2025-12-13. Review status: criteria provided, single submitter. Criteria: Invitae Variant Classification Sherloc (09022015). Collection method: clinical testing. Allele origin: germline.
Comment: This sequence change affects a donor splice site in intron 4 of the LZTR1 gene. It is expected to disrupt RNA splicing. Variants that disrupt the donor or acceptor splice site typically lead to a loss of protein function (PMID: 16199547), and loss-of-function variants in LZTR1 are known to be pathogenic (PMID: 24362817, 25335493, 25480913, 25795793, 29469822, 30368668, 30442762, 30442766, 30481304, 30859559). This variant is not present in population databases (gnomAD no frequency). Disruption of this splice site has been observed in individual(s) with clinical features of LZTR1-related conditions (PMID: 39140257). ClinVar contains an entry for this variant (Variation ID: 2153109). Algorithms developed to predict the effect of sequence changes on RNA splicing suggest that this variant may disrupt the consensus splice site. In summary, the currently available evidence indicates that the variant is pathogenic, but additional data are needed to prove that conclusively. Therefore, this variant has been classified as Likely Pathogenic.

Women's Health and Genetics/Laboratory Corporation of America, LabCorp
Classification: Likely pathogenic for Noonan syndrome 2. Last evaluated: 2025-11-19. Review status: criteria provided, single submitter. Criteria: LabCorp Variant Classification Summary - May 2015. Collection method: clinical testing. Allele origin: germline.
Comment: Variant summary: LZTR1 c.400+1G>A is located in a canonical splice-site and is predicted to affect mRNA splicing resulting in a significantly altered protein due to either exon skipping, shortening, or inclusion of intronic material. Variants that disrupt the consensus splice site are a relatively common cause of aberrant splicing and loss of LZTR1 function. Several computational tools predict a significant impact on normal splicing: Four predict the variant abolishes a canonical 5' splicing donor site. However, these predictions have yet to be confirmed by functional studies. The frequency data for this variant in gnomAD is considered unreliable, as metrics indicate poor data quality at this position. To our knowledge, no occurrence of c.400+1G>A in individuals affected with LZTR1-related conditions and no experimental evidence demonstrating its impact on protein function have been reported. ClinVar contains an entry for this variant (Variation ID: 2153109). Based on the evidence outlined above, the variant was classified as likely pathogenic for LZTR1-related conditions (AD Schwannomatosis, AD Noonan Syndrome, AR Noonan Syndrome).

Ambry Genetics
Classification: Likely pathogenic for Cardiovascular phenotype; Hereditary cancer-predisposing syndrome. Last evaluated: 2025-05-31. Review status: criteria provided, single submitter. Criteria: Ambry Variant Classification Scheme 2023. Collection method: clinical testing. Allele origin: germline.
Comment: The c.400+1G>A intronic variant results from a G to A substitution one nucleotide after coding exon 4 of the LZTR1 gene. This variant is considered to be rare based on population cohorts in the Genome Aggregation Database (gnomAD). This nucleotide position is highly conserved in available vertebrate species. In silico splice site analysis predicts that this alteration will weaken the native splice donor site. RNA studies have demonstrated that this alteration results in abnormal splicing in the set of samples tested (Ambry internal data). Loss-of-function variants in LZTR1 are related to an increased risk for schwannomas and autosomal recessive Noonan syndrome; however, such associations with autosomal dominant Noonan syndrome have not been observed (Piotrowski A et al. Nat Genet. 2014 Feb;46:182-7; Yamamoto GL et al. J Med Genet. 2015 Jun;52:413-21; Johnston JJ et al. Genet Med. 2018 10;20:1175-1185). Based on the supporting evidence, this variant is likely pathogenic for an increased risk of LZTR1-related schwannomatosis (SWN) and would be expected to cause autosomal recessive Noonan syndrome when present along with a second pathogenic or likely pathogenic variant on the other allele; however, the association of this alteration with autosomal dominant Noonan syndrome is unlikely.

Mayo Clinic Laboratories, Mayo Clinic
Classification: Pathogenic. Last evaluated: 2024-10-08. Review status: criteria provided, single submitter. Criteria: ACMG Guidelines, 2015. Collection method: clinical testing. Allele origin: germline. Observed: 1 variant allele.
Comment: PM2_supporting, PS4_supporting, PVS1

Dasa
Classification: Likely pathogenic. Last evaluated: 2024-08-04. Review status: criteria provided, single submitter. Criteria: DASA Assertion Criteria. Collection method: clinical testing. Allele origin: germline.
Comment: NM_006767.4(LZTR1):c.400+1G>A affects a canonical splice site and is predicted to disrupt normal RNA splicing. Loss of function is an established disease mechanism for LZTR1-associated disorders. Also, this variant is rare in population databases. Based on the currently available evidence, this variant is classified as likely pathogenic.

Revvity Omics, Revvity
Classification: Likely pathogenic. Last evaluated: 2022-03-22. Review status: criteria provided, single submitter. Criteria: ACMG Guidelines, 2015. Collection method: clinical testing. Allele origin: germline.

Literature cited by the submitters: PubMed 16199547 (cited by Labcorp Genetics (formerly Invitae), Labcorp); PubMed 24362817 (cited by Labcorp Genetics (formerly Invitae), Labcorp); PubMed 25335493 (cited by Labcorp Genetics (formerly Invitae), Labcorp); PubMed 25480913 (cited by Labcorp Genetics (formerly Invitae), Labcorp); PubMed 25795793 (cited by Labcorp Genetics (formerly Invitae), Labcorp); PubMed 29469822 (cited by Labcorp Genetics (formerly Invitae), Labcorp); PubMed 30368668 (cited by Labcorp Genetics (formerly Invitae), Labcorp); PubMed 30442762 (cited by Labcorp Genetics (formerly Invitae), Labcorp); PubMed 30442766 (cited by Labcorp Genetics (formerly Invitae), Labcorp); PubMed 30481304 (cited by Labcorp Genetics (formerly Invitae), Labcorp); PubMed 30859559 (cited by Labcorp Genetics (formerly Invitae), Labcorp); PubMed 39140257 (cited by Labcorp Genetics (formerly Invitae), Labcorp).

NM_006767.4(LZTR1):c.400+1G>A

Gene: LZTR1 (leucine zipper like post translational regulator 1; plus strand). Cytogenetic location: 22q11.21.
Variant type: single nucleotide variant.
Coding change: c.400+1G>A on transcript NM_006767.4 (MANE Select); the canonical splice donor site of the intron after coding-DNA position 400, G replaced by A.
Molecular consequence: splice donor variant.
Genome position (GRCh38, 1-based): chr22:20,987,584, G>A. VCF-style: chr22-20987584-G-A. GRCh37 (hg19) VCF-style: chr22-21341873-G-A.
Other names: c.400+1G>A (NM_006767.3).
Identifiers: ClinVar variation 2153109 (VCV002153109.13), dbSNP rs1555927561, ClinGen allele CA410779487.